The following is an entry in ClinVar:

ClinVar aggregate classification (germline): Likely benign (1 of 4 stars; one submission).

Submission:

GeneDx
Classification: Likely benign. Last evaluated: 2016-04-27. Review status: criteria provided, single submitter. Criteria: GeneDx Variant Classification (06012015). Collection method: clinical testing. Allele origin: germline. Affected: yes.
Comment: This variant is considered likely benign or benign based on one or more of the following criteria: it is a conservative change, it occurs at a poorly conserved position in the protein, it is predicted to be benign by multiple in silico algorithms, and/or has population frequency not consistent with disease.

NM_033109.5(PNPT1):c.404-10C>A

Gene: PNPT1 (polyribonucleotide nucleotidyltransferase 1; minus strand). Cytogenetic location: 2p16.1.
Variant type: single nucleotide variant.
Coding change: c.404-10C>A on transcript NM_033109.5 (MANE Select); 10 bases into the intron before coding-DNA position 404, C replaced by A.
Molecular consequence: intron variant.
Genome position (GRCh38, 1-based): chr2:55,683,844, G>T on the plus strand (C>A on the coding strand, the complement: PNPT1 is on the minus strand). VCF-style: chr2-55683844-G-T. GRCh37 (hg19) VCF-style: chr2-55910979-G-T.
Identifiers: ClinVar variation 385660 (VCV000385660.1), dbSNP rs1057522292, ClinGen allele CA16604241.